The following is an entry in ClinVar:

ClinVar aggregate classification (germline): Uncertain significance (1 of 4 stars; one submission).

Conditions:
Glycogen storage disease, type II (IOPD). Also called: Pompe Disease; CARDIOMEGALIA GLYCOGENICA DIFFUSA; GLYCOGENOSIS, GENERALIZED, CARDIAC FORM; GSD II; POMPE DISEASE, INFANTILE-ONSET; GLYCOGEN STORAGE DISEASE II, INFANTILE-ONSET. Identifiers: Orphanet 365, MedGen C0017921, MONDO:0009290, OMIM 232300.

Submission:

Genomenon, Inc
Classification: Uncertain significance for Glycogen storage disease, type II. Last evaluated: 2026-07-01. Review status: criteria provided, single submitter. Criteria: Genomenon Sequence Variant Interpretation Standards - Updated. Collection method: curation. Allele origin: germline.
Comment: GAA p.Gly259Val (c.776G>T) is a missense variant that changes the amino acid at codon 259 from Glycine to Valine. This variant has been reported in the compound heterozygous and/or homozygous state in an individual without a confirmed diagnosis of Pompe disease (PMID:17210890;18425781). At least one functional study has demonstrated a substantial alteration in protein function relative to the wild-type (PMID:18425781). It is absent or not present at a significant frequency in gnomAD. In silico models predict that this variant is possibly or probably damaging. In conclusion, we classify GAA p.Gly259Val (c.776G>T) as a variant of uncertain significance.

Literature cited by the submitters: PubMed 17210890; PubMed 18425781.

NM_000152.5(GAA):c.776G>T (p.Gly259Val)

Gene: GAA (alpha glucosidase; plus strand). Cytogenetic location: 17q25.3.
Variant type: single nucleotide variant.
Coding change: c.776G>T on transcript NM_000152.5 (MANE Select); coding-DNA position 776, G replaced by T.
Protein change: p.Gly259Val; replaces glycine 259 with valine.
Molecular consequence: missense variant.
Genome position (GRCh38, 1-based): chr17:80,107,640, G>T. VCF-style: chr17-80107640-G-T. GRCh37 (hg19) VCF-style: chr17-78081439-G-T.
Other names: c.776G>T, p.Gly259Val (NM_001079803.3, NM_001079804.3, NM_001406741.1 and 1 more transcripts); short protein forms G259V.
Identifiers: ClinVar variation 4876503 (VCV004876503.1).
Genomic context (GRCh38, chr17:80,107,640, plus strand): 5'-TGTTCTTTGCGGACCAGTTCCTTCAGCTGTCCACCTCGCTGCCCTCGCAGTATATCACAG[G>T]CCTCGCCGAGCACCTCAGTCCCCTGATGCTCAGCACCAGCTGGACCAGGATCACCCTGTG-3'
Protein context (NP_000143.2, residues 249-269): STSLPSQYIT[Gly259Val]LAEHLSPLML